The following is an entry in ClinVar:

NM_016247.4(IMPG2):c.238C>G (p.Arg80Gly)

Gene: IMPG2 (interphotoreceptor matrix proteoglycan 2; minus strand). Cytogenetic location: 3q12.3.
Variant type: single nucleotide variant.
Coding change: c.238C>G on transcript NM_016247.4 (MANE Select); coding-DNA position 238, C replaced by G.
Protein change: p.Arg80Gly; replaces arginine 80 with glycine.
Molecular consequence: missense variant.
Genome position (GRCh38, 1-based): chr3:101,319,680, G>C on the plus strand (C>G on the coding strand, the complement: IMPG2 is on the minus strand). VCF-style: chr3-101319680-G-C. GRCh37 (hg19) VCF-style: chr3-101038524-G-C.
Other names: c.238C>G (NM_016247.3); short protein forms R80G.
Identifiers: ClinVar variation 1062911 (VCV001062911.9), dbSNP rs756818979, ClinGen allele CA2519532.

ClinVar aggregate classification (germline): Uncertain significance. Review status: criteria provided, multiple submitters, no conflicts (2 of 4 stars). 3 submissions from 3 submitters: Uncertain significance (3). Last evaluated 2025-08-23.

Conditions:
Inborn genetic diseases. Identifiers: MedGen C0950123, MeSH D030342.

Allele frequency attached by ClinVar (database versions not stated): gnomAD 0.00001; TOPMed 0.00001; ExAC 0.00017.
gnomAD v4.1: 90 of 1,613,498 alleles (0.0056%); highest among the groups gnomAD compares: South Asian, 0.099%; 1 homozygote.

Submissions (3):

Ambry Genetics
Classification: Uncertain significance for Inborn genetic diseases. Last evaluated: 2025-08-23. Review status: criteria provided, single submitter. Criteria: Ambry Variant Classification Scheme 2023. Collection method: clinical testing. Allele origin: germline.

Blueprint Genetics
Classification: Uncertain significance. Last evaluated: 2024-03-09. Review status: criteria provided, single submitter. Criteria: ACMG Guidelines, 2015. Collection method: clinical testing. Allele origin: germline.

Labcorp Genetics (formerly Invitae), Labcorp
Classification: Uncertain significance. Last evaluated: 2024-01-24. Review status: criteria provided, single submitter. Criteria: Invitae Variant Classification Sherloc (09022015). Collection method: clinical testing. Allele origin: germline.
Comment: This sequence change replaces arginine, which is basic and polar, with glycine, which is neutral and non-polar, at codon 80 of the IMPG2 protein (p.Arg80Gly). This variant is present in population databases (rs756818979, gnomAD 0.1%). This variant has not been reported in the literature in individuals affected with IMPG2-related conditions. ClinVar contains an entry for this variant (Variation ID: 1062911). An algorithm developed to predict the effect of missense changes on protein structure and function (PolyPhen-2) suggests that this variant is likely to be disruptive. In summary, the available evidence is currently insufficient to determine the role of this variant in disease. Therefore, it has been classified as a Variant of Uncertain Significance.